The following is an entry in ClinVar:

ClinVar aggregate classification (germline): Uncertain significance. Review status: criteria provided, multiple submitters, no conflicts (2 of 4 stars). 2 submissions from 2 submitters: Uncertain significance (2). Last evaluated 2025-01-06.

Conditions:
Cardiovascular phenotype. Identifiers: MedGen CN230736.
Distal myopathy with posterior leg and anterior hand involvement. Also called: WILLIAMS DISTAL MYOPATHY. Identifiers: Orphanet 63273, MedGen C3279722, MONDO:0013550, OMIM 614065.
Myofibrillar myopathy 5. Also called: Filaminopathy (type); FILAMINOPATHY, AUTOSOMAL DOMINANT. Identifiers: Orphanet 171445, MedGen C1836050, MONDO:0012289, OMIM 609524.
Hypertrophic cardiomyopathy 26. Also called: Cardiomyopathy, familial hypertrophic, 26. Identifiers: Orphanet 75249, MedGen C4310749, MONDO:0014883, OMIM 617047.

Allele frequency attached by ClinVar (database versions not stated): gnomAD exomes below 0.00001 and 0.00002; TOPMed below 0.00001; ExAC 0.00002.
gnomAD v4.1: 6 of 1,614,154 alleles (0.00037%); highest among the groups gnomAD compares: Middle Eastern, 0.017%; no homozygotes.

Submissions (2):

Ambry Genetics
Classification: Uncertain significance for Cardiovascular phenotype. Last evaluated: 2025-01-06. Review status: criteria provided, single submitter. Criteria: Ambry Variant Classification Scheme 2023. Collection method: clinical testing. Allele origin: germline.
Comment: The p.T2530N variant (also known as c.7589C>A), located in coding exon 46 of the FLNC gene, results from a C to A substitution at nucleotide position 7589. The threonine at codon 2530 is replaced by asparagine, an amino acid with similar properties. This amino acid position is conserved. In addition, the in silico prediction for this alteration is inconclusive. Based on the available evidence, the clinical significance of this variant remains unclear.

Labcorp Genetics (formerly Invitae), Labcorp
Classification: Uncertain significance for Distal myopathy with posterior leg and anterior hand involvement; Myofibrillar myopathy 5; Hypertrophic cardiomyopathy 26. Last evaluated: 2020-06-21. Review status: criteria provided, single submitter. Criteria: Invitae Variant Classification Sherloc (09022015). Collection method: clinical testing. Allele origin: germline.
Comment: This variant has not been reported in the literature in individuals with FLNC-related conditions. This variant is present in population databases (rs766492460, ExAC 0.02%). This sequence change replaces threonine with asparagine at codon 2530 of the FLNC protein (p.Thr2530Asn). The threonine residue is highly conserved and there is a small physicochemical difference between threonine and asparagine. In summary, the available evidence is currently insufficient to determine the role of this variant in disease. Therefore, it has been classified as a Variant of Uncertain Significance. Algorithms developed to predict the effect of missense changes on protein structure and function are either unavailable or do not agree on the potential impact of this missense change (SIFT: "Deleterious"; PolyPhen-2: "Probably Damaging"; Align-GVGD: "Class C0").

NM_001458.5(FLNC):c.7589C>A (p.Thr2530Asn)

Genes: FLNC (filamin C; plus strand), FLNC-AS1 (FLNC antisense RNA 1; minus strand). Cytogenetic location: 7q32.1.
Variant type: single nucleotide variant.
Coding change: c.7589C>A on transcript NM_001458.5 (MANE Select); coding-DNA position 7589, C replaced by A.
Protein change: p.Thr2530Asn; replaces threonine 2530 with asparagine.
Molecular consequence: missense variant.
Genome position (GRCh38, 1-based): chr7:128,857,145, C>A. VCF-style: chr7-128857145-C-A. GRCh37 (hg19) VCF-style: chr7-128497199-C-A.
Other names: c.7490C>A, p.Thr2497Asn (NM_001127487.2); c.7589C>A (NM_001458.4); short protein forms T2497N, T2530N.
Identifiers: ClinVar variation 1061879 (VCV001061879.10), dbSNP rs766492460, ClinGen allele CA4476318.